The following is an entry in ClinVar:

NM_000138.5(FBN1):c.7810C>T (p.Gln2604Ter)

Gene: FBN1 (fibrillin 1; minus strand). Cytogenetic location: 15q21.1.
Variant type: single nucleotide variant.
Coding change: c.7810C>T on transcript NM_000138.5 (MANE Select); coding-DNA position 7810, C replaced by T.
Protein change: p.Gln2604Ter; replaces glutamine 2604 with a stop codon.
Molecular consequence: nonsense.
Genome position (GRCh38, 1-based): chr15:48,420,696, G>A on the plus strand (C>T on the coding strand, the complement: FBN1 is on the minus strand). VCF-style: chr15-48420696-G-A. GRCh37 (hg19) VCF-style: chr15-48712893-G-A.
Other names: short protein forms Q2604*.
Identifiers: ClinVar variation 943096 (VCV000943096.7), dbSNP rs111496285, ClinGen allele CA269519586.

ClinVar aggregate classification (germline): Pathogenic (1 of 4 stars; one submission).

Conditions:
Familial thoracic aortic aneurysm and aortic dissection (TAAD). Also called: Thoracic aortic aneurysms and dissections. Identifiers: Orphanet 91387, MedGen C4707243, MONDO:0019625.
Marfan syndrome (MFS). Also called: Marfan syndrome, classic; Marfan syndrome type 1; Marfan's syndrome; FBN1-Related Marfan Syndrome; MARFAN SYNDROME, TYPE I. Identifiers: Orphanet 284963, Orphanet 558, MedGen C0024796, MONDO:0007947, OMIM 154700.

Submission:

Labcorp Genetics (formerly Invitae), Labcorp
Classification: Pathogenic for Marfan syndrome; Familial thoracic aortic aneurysm and aortic dissection. Last evaluated: 2021-05-30. Review status: criteria provided, single submitter. Criteria: Invitae Variant Classification Sherloc (09022015). Collection method: clinical testing. Allele origin: germline.
Comment: For these reasons, this variant has been classified as Pathogenic. Loss-of-function variants in FBN1 are known to be pathogenic (PMID: 17657824, 19293843). This variant has not been reported in the literature in individuals with FBN1-related conditions. This variant is not present in population databases (ExAC no frequency). This sequence change creates a premature translational stop signal (p.Gln2604*) in the FBN1 gene. It is expected to result in an absent or disrupted protein product.

Literature cited by the submitters: PubMed 17657824; PubMed 19293843.